The following is an entry in ClinVar:

ClinVar aggregate classification (germline): Uncertain significance (1 of 4 stars; one submission).

Conditions:
Congenital myotonia, autosomal dominant form (THD). Also called: THOMSEN DISEASE; Myotonia congenita autosomal dominant. Identifiers: Orphanet 614, MedGen C2936781, MONDO:0008055, OMIM 160800.
Congenital myotonia, autosomal recessive form. Also called: Becker Generalized Myotonia; myotonia congenita, autosomal recessive; BECKER DISEASE. Identifiers: Orphanet 614, MedGen C0751360, MONDO:0009715, OMIM 255700.

Allele frequency attached by ClinVar (database versions not stated): gnomAD exomes below 0.00001.
gnomAD v4.1: 2 of 1,575,622 alleles (0.00013%); highest among the groups gnomAD compares: South Asian, 0.0022%; no homozygotes.

Submission:

Labcorp Genetics (formerly Invitae), Labcorp
Classification: Uncertain significance for Congenital myotonia, autosomal recessive form; Congenital myotonia, autosomal dominant form. Last evaluated: 2020-04-10. Review status: criteria provided, single submitter. Criteria: Invitae Variant Classification Sherloc (09022015). Collection method: clinical testing. Allele origin: germline.
Comment: Nucleotide substitutions within the consensus splice site are a relatively common cause of aberrant splicing (PMID: 17576681, 9536098). Algorithms developed to predict the effect of sequence changes on RNA splicing suggest that this variant may disrupt the consensus splice site, but this prediction has not been confirmed by published transcriptional studies. In summary, the available evidence is currently insufficient to determine the role of this variant in disease. Therefore, it has been classified as a Variant of Uncertain Significance. This variant has been observed in individual(s) with clinical features of myotonia congenita (Invitae). This variant is not present in population databases (ExAC no frequency). This sequence change falls in intron 17 of the CLCN1 gene. It does not directly change the encoded amino acid sequence of the CLCN1 protein, but it affects a nucleotide within the consensus splice site of the intron.

Literature cited by the submitters: PubMed 17576681; PubMed 9536098.

NM_000083.3(CLCN1):c.2173-3C>G

Gene: CLCN1 (chloride voltage-gated channel 1; plus strand). Cytogenetic location: 7q34.
Variant type: single nucleotide variant.
Coding change: c.2173-3C>G on transcript NM_000083.3 (MANE Select); 3 bases into the intron before coding-DNA position 2173, C replaced by G.
Molecular consequence: intron variant.
Genome position (GRCh38, 1-based): chr7:143,346,137, C>G. VCF-style: chr7-143346137-C-G. GRCh37 (hg19) VCF-style: chr7-143043230-C-G.
Identifiers: ClinVar variation 1058088 (VCV001058088.9), dbSNP rs1169171168, ClinGen allele CA578445983.